The following is an entry in ClinVar:

NM_014264.5(PLK4):c.1735C>T (p.Pro579Ser)

Gene: PLK4 (polo like kinase 4; plus strand). Cytogenetic location: 4q28.1.
Variant type: single nucleotide variant.
Coding change: c.1735C>T on transcript NM_014264.5 (MANE Select); coding-DNA position 1735, C replaced by T.
Protein change: p.Pro579Ser; replaces proline 579 with serine.
Molecular consequence: missense variant.
Genome position (GRCh38, 1-based): chr4:127,890,141, C>T. VCF-style: chr4-127890141-C-T. GRCh37 (hg19) VCF-style: chr4-128811296-C-T.
Other names: c.1639C>T, p.Pro547Ser (NM_001190799.2); c.1612C>T, p.Pro538Ser (NM_001190801.2); short protein forms P538S, P547S, P579S.
Identifiers: ClinVar variation 1981694 (VCV001981694.4), dbSNP rs893123338, ClinGen allele CA105639148.

ClinVar aggregate classification (germline): Uncertain significance (1 of 4 stars; one submission).

Allele frequency attached by ClinVar (database versions not stated): gnomAD exomes below 0.00001.

Submission:

Labcorp Genetics (formerly Invitae), Labcorp
Classification: Uncertain significance. Last evaluated: 2021-12-17. Review status: criteria provided, single submitter. Criteria: Invitae Variant Classification Sherloc (09022015). Collection method: clinical testing. Allele origin: germline.
Comment: This sequence change replaces proline, which is neutral and non-polar, with serine, which is neutral and polar, at codon 579 of the PLK4 protein (p.Pro579Ser). This variant is not present in population databases (gnomAD no frequency). This variant has not been reported in the literature in individuals affected with PLK4-related conditions. Algorithms developed to predict the effect of missense changes on protein structure and function output the following: SIFT: "Tolerated"; PolyPhen-2: "Benign"; Align-GVGD: "Class C0". The serine amino acid residue is found in multiple mammalian species, which suggests that this missense change does not adversely affect protein function. In summary, the available evidence is currently insufficient to determine the role of this variant in disease. Therefore, it has been classified as a Variant of Uncertain Significance.